The following is an entry in ClinVar:

NM_031443.4(CCM2):c.790del (p.Glu264fs)

Gene: CCM2 (CCM2 scaffold protein; plus strand). Cytogenetic location: 7p13.
Variant type: Deletion.
Coding change: c.790del on transcript NM_031443.4 (MANE Select); coding-DNA position 790, one base deleted (G; older notation c.790delG).
Protein change: p.Glu264fs; shifts the reading frame from glutamic acid 264.
Molecular consequence: frameshift variant. On other transcripts: non-coding transcript variant (1).
Genome position (GRCh38, 1-based): chr7:45,072,770, G deleted; the last of 2 consecutive G bases (chr7:45,072,769-45,072,770); deleting either gives the same sequence. VCF-style (leftmost placement, unchanged base first): chr7-45072768-TG-T. GRCh37 (hg19) VCF-style: chr7-45112367-TG-T.
Other names: c.853del, p.Glu285fs (NM_001029835.2); c.616del, p.Glu206fs (NM_001167934.2); c.517del, p.Glu173fs (NM_001167935.2); c.913del, p.Glu305fs (NM_001363458.2); c.739del, p.Glu247fs (NM_001363459.2); c.790delG (NM_031443.3); short protein forms E173fs, E206fs, E247fs, E264fs, E285fs, E305fs.
Identifiers: ClinVar variation 590666 (VCV000590666.5), dbSNP rs1562917629, ClinGen allele CA891862712.

ClinVar aggregate classification (germline): Pathogenic/Likely pathogenic. Review status: criteria provided, multiple submitters, no conflicts (2 of 4 stars). 2 submissions from 2 submitters: Pathogenic (1); Likely pathogenic (1). Last evaluated 2024-10-28.

Conditions:
Cerebral cavernous malformation 2. Also called: Familial Cerebral Cavernous Malformation 2. Identifiers: Orphanet 221061, MedGen C1864041, MONDO:0011304, OMIM 603284.

Submissions (2):

Labcorp Genetics (formerly Invitae), Labcorp
Classification: Pathogenic for Cerebral cavernous malformation 2. Last evaluated: 2024-10-28. Review status: criteria provided, single submitter. Criteria: Invitae Variant Classification Sherloc (09022015). Collection method: clinical testing. Allele origin: germline.
Comment: This sequence change creates a premature translational stop signal (p.Glu264Lysfs*28) in the CCM2 gene. It is expected to result in an absent or disrupted protein product. Loss-of-function variants in CCM2 are known to be pathogenic (PMID: 18300272, 24689081). This variant is not present in population databases (gnomAD no frequency). This variant has not been reported in the literature in individuals affected with CCM2-related conditions. ClinVar contains an entry for this variant (Variation ID: 590666). For these reasons, this variant has been classified as Pathogenic.

PreventionGenetics, part of Exact Sciences
Classification: Likely pathogenic. Last evaluated: 2018-09-21. Review status: criteria provided, single submitter. Criteria: ACMG Guidelines, 2015. Collection method: clinical testing. Allele origin: germline.

Literature cited by the submitters: PubMed 18300272 (cited by Labcorp Genetics (formerly Invitae), Labcorp); PubMed 24689081 (cited by Labcorp Genetics (formerly Invitae), Labcorp).